The following is an entry in ClinVar:

ClinVar aggregate classification (germline): Uncertain significance. Review status: criteria provided, multiple submitters, no conflicts (2 of 4 stars). 2 submissions from 2 submitters: Uncertain significance (2). Last evaluated 2025-10-08.

Conditions:
Adams-Oliver syndrome 5 (AOS5). Identifiers: Orphanet 974, MedGen C4014970, MONDO:0014459, OMIM 616028.
Familial thoracic aortic aneurysm and aortic dissection (TAAD). Also called: Thoracic aortic aneurysms and dissections. Identifiers: Orphanet 91387, MedGen C4707243, MONDO:0019625.

gnomAD v4.1: 3 of 1,613,004 alleles (0.00019%); highest among the groups gnomAD compares: South Asian, 0.0011%; no homozygotes.

Submissions (2):

Ambry Genetics
Classification: Uncertain significance for Familial thoracic aortic aneurysm and aortic dissection. Last evaluated: 2025-10-08. Review status: criteria provided, single submitter. Criteria: Ambry Variant Classification Scheme 2023. Collection method: clinical testing. Allele origin: germline.
Comment: The p.D260N variant (also known as c.778G>A), located in coding exon 5 of the NOTCH1 gene, results from a G to A substitution at nucleotide position 778. The aspartic acid at codon 260 is replaced by asparagine, an amino acid with highly similar properties. This amino acid position is highly conserved in available vertebrate species. In addition, the in silico prediction for this alteration is inconclusive. Based on the available evidence, the clinical significance of this variant remains unclear.

Labcorp Genetics (formerly Invitae), Labcorp
Classification: Uncertain significance for Adams-Oliver syndrome 5. Last evaluated: 2025-06-24. Review status: criteria provided, single submitter. Criteria: Invitae Variant Classification Sherloc (09022015). Collection method: clinical testing. Allele origin: germline.
Comment: This sequence change replaces aspartic acid, which is acidic and polar, with asparagine, which is neutral and polar, at codon 260 of the NOTCH1 protein (p.Asp260Asn). The frequency data for this variant in the population databases is considered unreliable, as metrics indicate poor data quality at this position in the gnomAD database. This variant has not been reported in the literature in individuals affected with NOTCH1-related conditions. An algorithm developed to predict the effect of missense changes on protein structure and function (PolyPhen-2) suggests that this variant is likely to be disruptive. In summary, the available evidence is currently insufficient to determine the role of this variant in disease. Therefore, it has been classified as a Variant of Uncertain Significance.

NM_017617.5(NOTCH1):c.778G>A (p.Asp260Asn)

Gene: NOTCH1 (notch receptor 1; minus strand). Cytogenetic location: 9q34.3.
Variant type: single nucleotide variant.
Coding change: c.778G>A on transcript NM_017617.5 (MANE Select); coding-DNA position 778, G replaced by A.
Protein change: p.Asp260Asn; replaces aspartic acid 260 with asparagine.
Molecular consequence: missense variant.
Genome position (GRCh38, 1-based): chr9:136,519,530, C>T on the plus strand (G>A on the coding strand, the complement: NOTCH1 is on the minus strand). VCF-style: chr9-136519530-C-T. GRCh37 (hg19) VCF-style: chr9-139413982-C-T.
Other names: short protein forms D260N.
Identifiers: ClinVar variation 4635458 (VCV004635458.2).